The following is an entry in ClinVar:

ClinVar aggregate classification (germline): Uncertain significance (1 of 4 stars; one submission).

Conditions:
Myofibrillar myopathy 3 (MFM3). Also called: Autosomal dominant spheroid body myopathy; Muscular dystrophy, proximal, type 1A. Identifiers: Orphanet 266, Orphanet 268129, MedGen C3714934, MONDO:0012215, OMIM 609200.

Submission:

Labcorp Genetics (formerly Invitae), Labcorp
Classification: Uncertain significance for Myofibrillar myopathy 3. Last evaluated: 2023-07-09. Review status: criteria provided, single submitter. Criteria: Invitae Variant Classification Sherloc (09022015). Collection method: clinical testing. Allele origin: unknown.
Comment: In summary, the available evidence is currently insufficient to determine the role of this variant in disease. Therefore, it has been classified as a Variant of Uncertain Significance. This variant is a gross deletion of the genomic region encompassing exon(s) 8-10 of the MYOT gene, which includes the termination codon. This deletion extends beyond the assayed region for this gene and therefore may encompass additional genes. While this deletion is not anticipated to lead to nonsense mediated decay, it is expected to alter mRNA translation or result in a truncated protein product. This variant has not been reported in the literature in individuals affected with MYOT-related conditions. Experimental studies and prediction algorithms are not available or were not evaluated, and the functional significance of this variant is currently unknown.

NC_000005.9:g.(?_137221717)_(137223074_?)del

Gene: MYOT (myotilin; plus strand). Cytogenetic location: 5q31.2.
Variant type: Deletion.
Identifiers: ClinVar variation 3246328 (VCV003246328.1).